The following is an entry in ClinVar:

ClinVar aggregate classification (germline): Likely benign. Review status: criteria provided, multiple submitters, no conflicts (2 of 4 stars). 5 submissions from 5 submitters: Likely benign (4). 1 of the submissions does not count toward it. Last evaluated 2026-06-01.

Conditions:
Holoprosencephaly 5 (HPE5). Identifiers: Orphanet 2162, MedGen C1864827, MONDO:0012322, OMIM 609637.
ZIC2-related disorder. Also called: ZIC2-related condition.

Allele frequency attached by ClinVar (database versions not stated): gnomAD 0.00057 and 0.00062; TOPMed 0.00067; gnomAD exomes 0.00078.

Submissions (5):

CeGaT Center for Human Genetics Tuebingen
Classification: Likely benign. Last evaluated: 2026-06-01. Review status: criteria provided, single submitter. Criteria: CeGaT Center For Human Genetics Tuebingen Variant Classification Criteria Version 2. Collection method: clinical testing. Allele origin: germline. Affected: yes. Observed: 3 variant alleles.
Comment: ZIC2: BP4, BP7

Labcorp Genetics (formerly Invitae), Labcorp
Classification: Likely benign for Holoprosencephaly 5. Last evaluated: 2025-12-22. Review status: criteria provided, single submitter. Criteria: Invitae Variant Classification Sherloc (09022015). Collection method: clinical testing. Allele origin: germline.

Blueprint Genetics
Classification: Likely benign. Last evaluated: 2024-11-25. Review status: criteria provided, single submitter. Criteria: ACMG Guidelines, 2015. Collection method: clinical testing. Allele origin: germline.

Breakthrough Genomics
Classification: Likely benign. Review status: criteria provided, single submitter. Criteria: ACMG Guidelines, 2015. Collection method: not provided. Allele origin: germline. Inheritance: Autosomal dominant inheritance. Affected: yes.

PreventionGenetics, part of Exact Sciences
Classification: Likely benign for ZIC2-related condition. Last evaluated: 2021-03-15. Review status: no assertion criteria provided. Collection method: clinical testing. Allele origin: germline. Not counted in ClinVar's aggregate classification.
Comment: This variant is classified as likely benign based on ACMG/AMP sequence variant interpretation guidelines (Richards et al. 2015 PMID: 25741868, with internal and published modifications).

NM_007129.5(ZIC2):c.1494C>A (p.Gly498=)

Gene: ZIC2 (Zic family zinc finger 2; plus strand). Cytogenetic location: 13q32.3.
Variant type: single nucleotide variant.
Coding change: c.1494C>A on transcript NM_007129.5 (MANE Select); coding-DNA position 1494, C replaced by A.
Protein change: p.Gly498=; no amino-acid change (glycine 498 retained).
Molecular consequence: synonymous variant.
Genome position (GRCh38, 1-based): chr13:99,985,577, C>A. VCF-style: chr13-99985577-C-A. GRCh37 (hg19) VCF-style: chr13-100637831-C-A.
Identifiers: ClinVar variation 703085 (VCV000703085.36), dbSNP rs949949328, ClinGen allele CA484543037.